The following is an entry in ClinVar:

NM_025132.4(WDR19):c.2909C>T (p.Ala970Val)

Gene: WDR19 (WD repeat domain 19; plus strand). Cytogenetic location: 4p14.
Variant type: single nucleotide variant.
Coding change: c.2909C>T on transcript NM_025132.4 (MANE Select); coding-DNA position 2909, C replaced by T.
Protein change: p.Ala970Val; replaces alanine 970 with valine.
Molecular consequence: missense variant.
Genome position (GRCh38, 1-based): chr4:39,253,938, C>T. VCF-style: chr4-39253938-C-T. GRCh37 (hg19) VCF-style: chr4-39255558-C-T.
Other names: NM_025132.4(WDR19):c.2909C>T; p.Ala970Val; c.2429C>T, p.Ala810Val (NM_001317924.2); short protein forms A810V, A970V.
Identifiers: ClinVar variation 1065667 (VCV001065667.3), dbSNP rs771583357, ClinGen allele CA2892221.
Genomic context (GRCh38, chr4:39,253,938, plus strand): 5'-TCTAGCTAATTAAAGTACTTTGCTTTAGGTTTTTTCTACAGCTTGGTGACTATGGGTCTG[C>T]CATCCAGTTTCTTGTCATGTCCAAATGCAACAATGAAGCTTTCACACTGGCTCAGCAACA-3'
Protein context (NP_079408.3, residues 960-980): FFLQLGDYGS[Ala970Val]IQFLVMSKCN

ClinVar aggregate classification (germline): Uncertain significance. Review status: criteria provided, multiple submitters, no conflicts (2 of 4 stars). 3 submissions from 3 submitters: Uncertain significance (3). Last evaluated 2024-05-17.

Conditions:
Senior-Loken syndrome 8 (SLSN8). Identifiers: Orphanet 3156, MedGen C4225376, MONDO:0014579, OMIM 616307.

Allele frequency attached by ClinVar (database versions not stated): gnomAD exomes below 0.00001; ExAC 0.00001; gnomAD 0.00001; TOPMed 0.00001.
gnomAD v4.1: 2 of 1,608,868 alleles (0.00012%); highest among the groups gnomAD compares: Non-Finnish European, 0.00017%; no homozygotes.

Submissions (3):

Broad Center for Mendelian Genomics, Broad Institute of MIT and Harvard
Classification: Uncertain significance for Senior-Loken syndrome 8. Last evaluated: 2024-05-17. Review status: criteria provided, single submitter. Criteria: ACMG Guidelines, 2015. Collection method: curation. Allele origin: germline. Inheritance: Autosomal recessive inheritance.
Comment: However, the phase of these variants are unknown at this time. The variant has been identified in 0.002% (2/68024) of European (non-Finnish) chromosomes by the Genome Aggregation Database (gnomAD; dbSNP (rs771583357)). Although this variant has been seen in the general population in a heterozygous state, its frequency is not high enough to rule out a pathogenic role. This variant has been reported in ClinVar (Variation ID: 1065667) and has been interpreted as uncertain significance by Ocular Genomics Institute, Massachusetts Eye and Ear. Computational prediction tools and conservation analyses suggest that this variant may impact the protein, though this information is not predictive enough to determine pathogenicity. In summary, the clinical significance of the p.Ala970Val variant is uncertain. ACMG/AMP Criteria applied: PM2_Supporting, PP3_Moderate (Richards 2015).

Ocular Genomics Institute, Massachusetts Eye and Ear
Classification: Uncertain significance for Senior-Loken syndrome 8. Last evaluated: 2021-04-08. Review status: criteria provided, single submitter. Criteria: ACMG Guidelines, 2015. Collection method: research. Allele origin: germline. Affected: yes.
Comment: Through a review of available evidence we were able to apply the following criteria: PM2, PP3. Based on this evidence we have classified this variant as Variant of Uncertain Significance.

Blueprint Genetics
Classification: Uncertain significance. Last evaluated: 2019-11-07. Review status: criteria provided, single submitter. Criteria: ACMG Guidelines, 2015. Collection method: clinical testing. Allele origin: germline.